The following is an entry in ClinVar:

NM_006904.7(PRKDC):c.7369C>G (p.Pro2457Ala)

Gene: PRKDC (protein kinase, DNA-activated, catalytic subunit; minus strand). Cytogenetic location: 8q11.21.
Variant type: single nucleotide variant.
Coding change: c.7369C>G on transcript NM_006904.7 (MANE Select); coding-DNA position 7369, C replaced by G.
Protein change: p.Pro2457Ala; replaces proline 2457 with alanine.
Molecular consequence: missense variant.
Genome position (GRCh38, 1-based): chr8:47,840,101, G>C on the plus strand (C>G on the coding strand, the complement: PRKDC is on the minus strand). VCF-style: chr8-47840101-G-C. GRCh37 (hg19) VCF-style: chr8-48752662-G-C.
Other names: c.7369C>G, p.Pro2457Ala (NM_001081640.2); short protein forms P2457A.
Identifiers: ClinVar variation 2123662 (VCV002123662.4), dbSNP rs763641731, ClinGen allele CA4740126.
Genomic context (GRCh38, chr8:47,840,101, plus strand): 5'-GAATATTATACATTTGTTCCCTACATGTTGTAGAAGGATGGGAAACGAATTCCACAACGG[G>C]GTTCAGAAGTTCTCGGAGTTCTACTGGTTTTAACTTTGGCATCATCTTATAAATTATGTC-3'
Protein context (NP_008835.5, residues 2447-2467): KPVELRELLN[Pro2457Ala]VVEFVSHPST

ClinVar aggregate classification (germline): Uncertain significance (1 of 4 stars; one submission).

Conditions:
Severe combined immunodeficiency due to DNA-PKcs deficiency. Also called: IMMUNODEFICIENCY 26 WITH NEUROLOGIC ABNORMALITIES; Immunodeficiency 26 with or without neurologic abnormalities. Identifiers: Orphanet 317425, MedGen C4014833, MONDO:0014423, OMIM 615966.

gnomAD v4.1: 2 of 1,586,424 alleles (0.00013%); highest among the groups gnomAD compares: East Asian, 0.0023%; no homozygotes.

Submission:

Labcorp Genetics (formerly Invitae), Labcorp
Classification: Uncertain significance for Severe combined immunodeficiency due to DNA-PKcs deficiency. Last evaluated: 2022-06-25. Review status: criteria provided, single submitter. Criteria: Invitae Variant Classification Sherloc (09022015). Collection method: clinical testing. Allele origin: germline.
Comment: In summary, the available evidence is currently insufficient to determine the role of this variant in disease. Therefore, it has been classified as a Variant of Uncertain Significance. Experimental studies and prediction algorithms are not available or were not evaluated, and the functional significance of this variant is currently unknown. This variant has not been reported in the literature in individuals affected with PRKDC-related conditions. This variant is present in population databases (rs763641731, gnomAD 0.007%). This sequence change replaces proline, which is neutral and non-polar, with alanine, which is neutral and non-polar, at codon 2457 of the PRKDC protein (p.Pro2457Ala).